The following is an entry in ClinVar:

NM_006662.3(SRCAP):c.725A>G (p.Lys242Arg)

Gene: SRCAP (Snf2 related CREBBP activator protein; plus strand). Cytogenetic location: 16p11.2.
Variant type: single nucleotide variant.
Coding change: c.725A>G on transcript NM_006662.3 (MANE Select); coding-DNA position 725, A replaced by G.
Protein change: p.Lys242Arg; replaces lysine 242 with arginine.
Molecular consequence: missense variant.
Genome position (GRCh38, 1-based): chr16:30,709,604, A>G. VCF-style: chr16-30709604-A-G. GRCh37 (hg19) VCF-style: chr16-30720925-A-G.
Other names: short protein forms K242R.
Identifiers: ClinVar variation 3731052 (VCV003731052.1).

ClinVar aggregate classification (germline): Uncertain significance (1 of 4 stars; one submission).

Submission:

GeneDx
Classification: Uncertain significance. Last evaluated: 2024-08-13. Review status: criteria provided, single submitter. Criteria: GeneDx Variant Classification Process June 2021. Collection method: clinical testing. Allele origin: germline. Affected: yes.
Comment: Not observed at significant frequency in large population cohorts (gnomAD); In silico analysis supports a deleterious effect on splicing; In silico analysis indicates that this missense variant does not alter protein structure/function; Has not been previously published as pathogenic or benign to our knowledge